The following is an entry in ClinVar:

NM_000632.4(ITGAM):c.2214G>A (p.Val738=)

Gene: ITGAM (integrin subunit alpha M; plus strand). Cytogenetic location: 16p11.2.
Variant type: single nucleotide variant.
Coding change: c.2214G>A on transcript NM_000632.4 (MANE Select); coding-DNA position 2214, G replaced by A.
Protein change: p.Val738=; no amino-acid change (valine 738 retained).
Molecular consequence: synonymous variant.
Genome position (GRCh38, 1-based): chr16:31,324,707, G>A. VCF-style: chr16-31324707-G-A. GRCh37 (hg19) VCF-style: chr16-31336028-G-A.
Other names: c.2217G>A, p.Val739= (NM_001145808.2).
Identifiers: ClinVar variation 3007444 (VCV003007444.3), dbSNP rs780165536, ClinGen allele CA8025756.

ClinVar aggregate classification (germline): Uncertain significance (1 of 4 stars; one submission).

Allele frequency attached by ClinVar (database versions not stated): ExAC 0.00001.
gnomAD v4.1: 27 of 1,601,374 alleles (0.0017%); highest among the groups gnomAD compares: Non-Finnish European, 0.002%; no homozygotes.

Submission:

Labcorp Genetics (formerly Invitae), Labcorp
Classification: Uncertain significance. Last evaluated: 2023-04-07. Review status: criteria provided, single submitter. Criteria: Invitae Variant Classification Sherloc (09022015). Collection method: clinical testing. Allele origin: germline.
Comment: In summary, the available evidence is currently insufficient to determine the role of this variant in disease. Therefore, it has been classified as a Variant of Uncertain Significance. Algorithms developed to predict the effect of sequence changes on RNA splicing suggest that this variant may create or strengthen a splice site. This variant has not been reported in the literature in individuals affected with ITGAM-related conditions. The frequency data for this variant in the population databases is considered unreliable, as metrics indicate poor data quality at this position in the gnomAD database. This sequence change affects codon 738 of the ITGAM mRNA. It is a 'silent' change, meaning that it does not change the encoded amino acid sequence of the ITGAM protein.